The following is an entry in ClinVar:

NM_004006.3(DMD):c.7973A>G (p.Lys2658Arg)

Gene: DMD (dystrophin; minus strand). Cytogenetic location: Xp21.1.
Variant type: single nucleotide variant.
Coding change: c.7973A>G on transcript NM_004006.3 (MANE Select); coding-DNA position 7973, A replaced by G.
Protein change: p.Lys2658Arg; replaces lysine 2658 with arginine.
Molecular consequence: missense variant.
Genome position (GRCh38, 1-based): chrX:31,658,044, T>C on the plus strand (A>G on the coding strand, the complement: DMD is on the minus strand). VCF-style: chrX-31658044-T-C. GRCh37 (hg19) VCF-style: chrX-31676161-T-C.
Other names: c.7949A>G, p.Lys2650Arg (NM_000109.4); c.7961A>G, p.Lys2654Arg (NM_004009.3); c.7604A>G, p.Lys2535Arg (NM_004010.3); c.3950A>G, p.Lys1317Arg (NM_004011.4); c.3941A>G, p.Lys1314Arg (NM_004012.4); c.593A>G, p.Lys198Arg (NM_004013.3, NM_004020.4, NM_004021.3 and 2 more transcripts); short protein forms K2535R, K198R, K1317R, K1314R, K2650R, K2654R, K2658R.
Identifiers: ClinVar variation 2792337 (VCV002792337.3), dbSNP rs2080891313, ClinGen allele CA412655834.

ClinVar aggregate classification (germline): Uncertain significance (1 of 4 stars; one submission).

Conditions:
Duchenne muscular dystrophy (DMD). Also called: MUSCULAR DYSTROPHY, PSEUDOHYPERTROPHIC PROGRESSIVE, DUCHENNE TYPE; Duchenne Muscular Dystrophy (DMD). Identifiers: Orphanet 98896, MedGen C0013264, MONDO:0010679, OMIM 310200.

Submission:

Labcorp Genetics (formerly Invitae), Labcorp
Classification: Uncertain significance for Duchenne muscular dystrophy. Last evaluated: 2024-01-08. Review status: criteria provided, single submitter. Criteria: Invitae Variant Classification Sherloc (09022015). Collection method: clinical testing. Allele origin: germline.
Comment: This sequence change replaces lysine, which is basic and polar, with arginine, which is basic and polar, at codon 2658 of the DMD protein (p.Lys2658Arg). This variant is not present in population databases (gnomAD no frequency). This variant has not been reported in the literature in individuals affected with DMD-related conditions. Advanced modeling of protein sequence and biophysical properties (such as structural, functional, and spatial information, amino acid conservation, physicochemical variation, residue mobility, and thermodynamic stability) performed at Invitae indicates that this missense variant is not expected to disrupt DMD protein function with a negative predictive value of 95%. In summary, the available evidence is currently insufficient to determine the role of this variant in disease. Therefore, it has been classified as a Variant of Uncertain Significance.